The following is an entry in ClinVar:

NM_000158.4(GBE1):c.1155_1158del (p.Asp386fs)

Gene: GBE1 (1,4-alpha-glucan branching enzyme 1; minus strand). Cytogenetic location: 3p12.2.
Variant type: Deletion.
Coding change: c.1155_1158del on transcript NM_000158.4 (MANE Select); coding-DNA positions 1155 to 1158, 4 bases deleted (AGAT; older notation c.1155_1158delAGAT).
Protein change: p.Asp386fs; shifts the reading frame from aspartic acid 386.
Molecular consequence: frameshift variant.
Genome position (GRCh38, 1-based): chr3:81,591,115-81,591,118, ATCT deleted on the plus strand (AGAT on the coding strand, the reverse complement: GBE1 is on the minus strand); deleting any 4 consecutive bases within chr3:81,591,115-81,591,119 gives the same sequence; the c. name uses the placement nearest the transcript's 3' end. VCF-style (leftmost placement, unchanged base first): chr3-81591114-CATCT-C. GRCh37 (hg19) VCF-style: chr3-81640265-CATCT-C.
Other names: short protein forms D386fs.
Identifiers: ClinVar variation 5011360 (VCV005011360.1).

ClinVar aggregate classification (germline): Pathogenic (1 of 4 stars; one submission).

Conditions:
Glycogen storage disease, type IV (GSD4). Also called: AMYLOPECTINOSIS; ANDERSEN DISEASE; BRANCHER DEFICIENCY; CIRRHOSIS, FAMILIAL, WITH DEPOSITION OF ABNORMAL GLYCOGEN; GBE1 DEFICIENCY; GLYCOGEN BRANCHING ENZYME DEFICIENCY. Identifiers: Orphanet 367, MedGen C0017923, MONDO:0009292, OMIM 232500.

Submission:

Myriad Genetics, Inc.
Classification: Pathogenic for Glycogen storage disease, type IV. Last evaluated: 2023-08-16. Review status: criteria provided, single submitter. Criteria: Myriad Autosomal Dominant, Autosomal Recessive and X-Linked Classification Criteria (2023). Collection method: clinical testing. Allele origin: unknown.
Comment: NM_000158.3(GBE1):c.1155_1158delAGAT(D386Kfs*4) is expected to be pathogenic in the context of glycogen storage disease, GBE1-related. This variant is predicted to lead to an abnormal or absent protein product due to the creation of a premature termination codon in GBE1, a gene where loss-of-function variants are known to be pathogenic. Please note: this variant was assessed in the context of healthy population screening.